The following is an entry in ClinVar:

NM_000463.3(UGT1A1):c.599A>C (p.His200Pro)

Genes: UGT1A (UDP glucuronosyltransferase family 1 member A complex locus; plus strand), UGT1A1 (UDP glucuronosyltransferase family 1 member A1; plus strand), UGT1A10 (UDP glucuronosyltransferase family 1 member A10; plus strand), UGT1A3 (UDP glucuronosyltransferase family 1 member A3; plus strand), UGT1A4 (UDP glucuronosyltransferase family 1 member A4; plus strand) and 5 more. Cytogenetic location: 2q37.1.
Variant type: single nucleotide variant.
Coding change: c.599A>C on transcript NM_000463.3 (MANE Select); coding-DNA position 599, A replaced by C.
Protein change: p.His200Pro; replaces histidine 200 with proline.
Molecular consequence: missense variant. On other transcripts: intron variant (9).
Genome position (GRCh38, 1-based): chr2:233,760,886, A>C. VCF-style: chr2-233760886-A-C. GRCh37 (hg19) VCF-style: chr2-234669532-A-C.
Other names: c.856-6148A>C (NM_019076.5, NM_019075.4, NM_021027.3 and 1 more transcripts); c.61-6148A>C (NM_205862.3); c.862-6148A>C (NM_001072.4); c.868-6148A>C (NM_019078.2, NM_007120.3, NM_019093.4); short protein forms H200P.
Identifiers: ClinVar variation 4985779 (VCV004985779.1).

ClinVar aggregate classification (germline): Uncertain significance (1 of 4 stars; one submission).

Conditions:
UGT1A1-related disorder. Also called: UGT1A1-related disorders; UGT1A1-related condition.

gnomAD v4.1: 14 of 1,613,816 alleles (0.00087%); highest among the groups gnomAD compares: Non-Finnish European, 0.0011%; no homozygotes.

Submission:

PreventionGenetics, part of Exact Sciences
Classification: Uncertain significance for UGT1A1-related condition. Last evaluated: 2025-11-25. Review status: criteria provided, single submitter. Criteria: ACMG Guidelines, 2015. Collection method: clinical testing. Allele origin: germline.
Comment: The UGT1A1 c.599A>C variant is predicted to result in the amino acid substitution p.His200Pro. To our knowledge, this variant has not been reported in the literature. This variant is reported in 0.0015% of alleles in individuals of European (Non-Finnish) descent in gnomAD. At this time, the clinical significance of this variant is uncertain due to the absence of conclusive functional and genetic evidence.